The following is an entry in ClinVar:

ClinVar aggregate classification (germline): Uncertain significance. Review status: criteria provided, multiple submitters, no conflicts (2 of 4 stars). 5 submissions from 5 submitters: Uncertain significance (5). Last evaluated 2026-01-09.

Conditions:
Cardiovascular phenotype. Identifiers: MedGen CN230736.
Cardiomyopathy (CMYO). Also called: Cardiomyopathies. Identifiers: Orphanet 167848, MedGen C0878544, MONDO:0004994, HP:0001638. Inheritance: Various modes of inheritance.
Dilated cardiomyopathy 1W (CMD1W). Identifiers: Orphanet 154, MedGen C1969639, MONDO:0012667, OMIM 611407.

Allele frequency attached by ClinVar (database versions not stated): gnomAD exomes below 0.00001 and 0.00001; gnomAD 0.00001; TOPMed 0.00002.
gnomAD v4.1: 15 of 1,614,032 alleles (0.00093%); highest among the groups gnomAD compares: East Asian, 0.0022%; no homozygotes.

Submissions (5):

Ambry Genetics
Classification: Uncertain significance for Cardiovascular phenotype. Last evaluated: 2026-01-09. Review status: criteria provided, single submitter. Criteria: Ambry Variant Classification Scheme 2023. Collection method: clinical testing. Allele origin: germline.
Comment: The p.R762W variant (also known as c.2284C>T), located in coding exon 16 of the VCL gene, results from a C to T substitution at nucleotide position 2284. The arginine at codon 762 is replaced by tryptophan, an amino acid with dissimilar properties. This amino acid position is conserved. In addition, this alteration is predicted to be deleterious by in silico analysis. Based on the available evidence, the clinical significance of this variant remains unclear.

Molecular Diagnostic Laboratory for Inherited Cardiovascular Disease, Montreal Heart Institute
Classification: Uncertain significance for Cardiovascular phenotype. Last evaluated: 2025-07-24. Review status: criteria provided, single submitter. Criteria: ACMG Guidelines, 2015. Collection method: clinical testing. Allele origin: germline. Affected: yes.
Comment: PM2

Labcorp Genetics (formerly Invitae), Labcorp
Classification: Uncertain significance for Dilated cardiomyopathy 1W. Last evaluated: 2025-05-05. Review status: criteria provided, single submitter. Criteria: Invitae Variant Classification Sherloc (09022015). Collection method: clinical testing. Allele origin: germline.
Comment: This sequence change replaces arginine, which is basic and polar, with tryptophan, which is neutral and slightly polar, at codon 762 of the VCL protein (p.Arg762Trp). This variant is present in population databases (no rsID available, gnomAD 0.0009%). This variant has not been reported in the literature in individuals affected with VCL-related conditions. ClinVar contains an entry for this variant (Variation ID: 1223484). An algorithm developed to predict the effect of missense changes on protein structure and function (PolyPhen-2) suggests that this variant is likely to be disruptive. In summary, the available evidence is currently insufficient to determine the role of this variant in disease. Therefore, it has been classified as a Variant of Uncertain Significance.

GeneDx
Classification: Uncertain significance. Last evaluated: 2023-10-23. Review status: criteria provided, single submitter. Criteria: GeneDx Variant Classification Process June 2021. Collection method: clinical testing. Allele origin: germline. Affected: yes.
Comment: Has not been previously published as pathogenic or benign to our knowledge; Not observed at significant frequency in large population cohorts (gnomAD); In silico analysis supports that this missense variant has a deleterious effect on protein structure/function

CHEO Genetics Diagnostic Laboratory, Children's Hospital of Eastern Ontario
Classification: Uncertain significance for Cardiomyopathy. Last evaluated: 2020-01-02. Review status: criteria provided, single submitter. Criteria: ACMG Guidelines, 2015. Collection method: clinical testing. Allele origin: germline.

NM_014000.3(VCL):c.2284C>T (p.Arg762Trp)

Gene: VCL (vinculin; plus strand). Cytogenetic location: 10q22.2.
Variant type: single nucleotide variant.
Coding change: c.2284C>T on transcript NM_014000.3 (MANE Select); coding-DNA position 2284, C replaced by T.
Protein change: p.Arg762Trp; replaces arginine 762 with tryptophan.
Molecular consequence: missense variant.
Genome position (GRCh38, 1-based): chr10:74,105,203, C>T. VCF-style: chr10-74105203-C-T. GRCh37 (hg19) VCF-style: chr10-75864961-C-T.
Other names: c.2284C>T, p.Arg762Trp (NM_003373.4); short protein forms R762W.
Identifiers: ClinVar variation 1223484 (VCV001223484.20), dbSNP rs1334643090, ClinGen allele CA377262367.